The following is an entry in ClinVar:

ClinVar aggregate classification (germline): Pathogenic. Review status: criteria provided, single submitter (1 of 4 stars). 2 submissions from 2 submitters: Pathogenic (1). 1 of the submissions does not count toward it. Last evaluated 2024-05-10.

Conditions:
MASA syndrome. Also called: MASA Syndrome (Mental Retardation, Adducted Thumbs, Shuffling Gait, and Aphasia); ADDUCTED THUMB WITH MENTAL RETARDATION; CRASH syndrome; MENTAL RETARDATION, APHASIA, SHUFFLING GAIT, AND ADDUCTED THUMBS; SPASTIC PARAPLEGIA 1, X-LINKED; MASA (Mental Retardation, Adducted Thumbs, Shuffling Gait, Aphasia) Syndrome, Including SPG1 (X-Linked Complicated Hereditary Spastic Paraplegia Type 1). Identifiers: Orphanet 2466, MedGen C0795953, MONDO:0010559, OMIM 303350.

Submissions (2):

GeneDx
Classification: Pathogenic. Last evaluated: 2024-05-10. Review status: criteria provided, single submitter. Criteria: GeneDx Variant Classification Process June 2021. Collection method: clinical testing. Allele origin: germline. Affected: yes.
Comment: Segregates with disease in multiple affected individuals from a single family in published literature; some family members were referred for genetic testing at GeneDx (PMID: 7920659, 3460961); Frameshift variant predicted to result in abnormal protein length as the last 94 amino acids are replaced with 6 different amino acids, and other similar variants have been reported in HGMD; Not observed at significant frequency in large population cohorts (gnomAD); This variant is associated with the following publications: (PMID: 3460961, 7920659)

OMIM
Classification: Pathogenic for MASA SYNDROME. Last evaluated: 1994-07-01. Review status: no assertion criteria provided. Collection method: literature only. Allele origin: germline. Not counted in ClinVar's aggregate classification.

Literature cited by the submitters: PubMed 3460961 (cited by OMIM); PubMed 7920659 (cited by OMIM).

NM_001278116.2(L1CAM):c.3489_3490del (p.Glu1164fs)

Gene: L1CAM (L1 cell adhesion molecule; minus strand). Cytogenetic location: Xq28.
Variant type: Deletion.
Coding change: c.3489_3490del on transcript NM_001278116.2 (MANE Select); coding-DNA positions 3489 to 3490, 2 bases deleted (TG; older notation c.3489_3490delTG).
Protein change: p.Glu1164fs; shifts the reading frame from glutamic acid 1164.
Molecular consequence: frameshift variant.
Genome position (GRCh38, 1-based): chrX:153,863,517-153,863,518, CA deleted on the plus strand (TG on the coding strand, the reverse complement: L1CAM is on the minus strand). VCF-style (leftmost placement, unchanged base first): chrX-153863516-TCA-T. GRCh37 (hg19) VCF-style: chrX-153128971-TCA-T.
Other names: L1CAM, 2-BP DEL, EX26; c.3489_3490del, p.Glu1164fs (NM_000425.5, NM_024003.3); c.3474_3475del, p.Glu1159fs (NM_001143963.2); c.3489_3490del (NM_000425.3); short protein forms E1159fs, E1164fs.
Identifiers: ClinVar variation 9992 (VCV000009992.2), dbSNP rs879253714, ClinGen allele CA10575511.